The following is an entry in ClinVar:

ClinVar aggregate classification (germline): Uncertain significance. Review status: criteria provided, multiple submitters, no conflicts (2 of 4 stars). 2 submissions from 2 submitters: Uncertain significance (2). Last evaluated 2025-07-15.

Allele frequency attached by ClinVar (database versions not stated): gnomAD exomes below 0.00001; gnomAD 0.00002; 1000 Genomes Project 0.00020; 1000 Genomes Project 30x 0.00031.
gnomAD v4.1: 7 of 1,612,070 alleles (0.00043%); highest among the groups gnomAD compares: East Asian, 0.0045%; no homozygotes.

Submissions (2):

Ambry Genetics
Classification: Uncertain significance. Last evaluated: 2025-07-15. Review status: criteria provided, single submitter. Criteria: Ambry Variant Classification Scheme 2023. Collection method: clinical testing. Allele origin: germline.

Labcorp Genetics (formerly Invitae), Labcorp
Classification: Uncertain significance. Last evaluated: 2023-05-25. Review status: criteria provided, single submitter. Criteria: Invitae Variant Classification Sherloc (09022015). Collection method: clinical testing. Allele origin: germline.
Comment: In summary, the available evidence is currently insufficient to determine the role of this variant in disease. Therefore, it has been classified as a Variant of Uncertain Significance. An algorithm developed to predict the effect of missense changes on protein structure and function (PolyPhen-2) suggests that this variant is likely to be disruptive. This variant has not been reported in the literature in individuals affected with HMCN1-related conditions. The frequency data for this variant in the population databases is considered unreliable, as metrics indicate poor data quality at this position in the gnomAD database. This sequence change replaces alanine, which is neutral and non-polar, with valine, which is neutral and non-polar, at codon 4414 of the HMCN1 protein (p.Ala4414Val).

NM_031935.3(HMCN1):c.13241C>T (p.Ala4414Val)

Gene: HMCN1 (hemicentin 1; plus strand). Cytogenetic location: 1q31.1.
Variant type: single nucleotide variant.
Coding change: c.13241C>T on transcript NM_031935.3 (MANE Select); coding-DNA position 13241, C replaced by T.
Protein change: p.Ala4414Val; replaces alanine 4414 with valine.
Molecular consequence: missense variant.
Genome position (GRCh38, 1-based): chr1:186,132,338, C>T. VCF-style: chr1-186132338-C-T. GRCh37 (hg19) VCF-style: chr1-186101470-C-T.
Other names: c.13241C>T (NM_031935.2); short protein forms A4414V.
Identifiers: ClinVar variation 2792768 (VCV002792768.4), dbSNP rs145311330, ClinGen allele CA1294606.